The following is an entry in ClinVar:

NM_005506.4(SCARB2):c.920A>C (p.Asp307Ala)

Gene: SCARB2 (scavenger receptor class B member 2; minus strand). Cytogenetic location: 4q21.1.
Variant type: single nucleotide variant.
Coding change: c.920A>C on transcript NM_005506.4 (MANE Select); coding-DNA position 920, A replaced by C.
Protein change: p.Asp307Ala; replaces aspartic acid 307 with alanine.
Molecular consequence: missense variant.
Genome position (GRCh38, 1-based): chr4:76,174,218, T>G on the plus strand (A>C on the coding strand, the complement: SCARB2 is on the minus strand). VCF-style: chr4-76174218-T-G. GRCh37 (hg19) VCF-style: chr4-77095371-T-G.
Other names: p.D307A:GAC>GCC; c.491A>C, p.Asp164Ala (NM_001204255.2); short protein forms D307A, D164A.
Identifiers: ClinVar variation 206714 (VCV000206714.3), dbSNP rs769096895, ClinGen allele CA317074.

ClinVar aggregate classification (germline): Uncertain significance. Review status: criteria provided, multiple submitters, no conflicts (2 of 4 stars). 2 submissions from 2 submitters: Uncertain significance (2). Last evaluated 2025-05-01.

Conditions:
Inborn genetic diseases. Identifiers: MedGen C0950123, MeSH D030342.

Allele frequency attached by ClinVar (database versions not stated): TOPMed below 0.00001; gnomAD 0.00001; gnomAD exomes 0.00001; ExAC 0.00002.
gnomAD v4.1: 22 of 1,614,124 alleles (0.0014%); highest among the groups gnomAD compares: Non-Finnish European, 0.0018%; no homozygotes.

Submissions (2):

Ambry Genetics
Classification: Uncertain significance for Inborn genetic diseases. Last evaluated: 2025-05-01. Review status: criteria provided, single submitter. Criteria: Ambry Variant Classification Scheme 2023. Collection method: clinical testing. Allele origin: germline.

GeneDx
Classification: Uncertain significance. Last evaluated: 2014-05-01. Review status: criteria provided, single submitter. Criteria: GeneDx Variant Classification (06012015). Collection method: clinical testing. Allele origin: germline. Affected: yes.
Comment: p.Asp307Ala (GAC>GCC): c.920 A>C in exon 7 of the SCARB2 gene (NM_005506.3)A variant of unknown significance has been identified in the SCARB2 gene. The D307A variant has not been published as a mutation, nor has it been reported as a benign polymorphism to our knowledge. It was not observed in approximately 6,500 individuals of European and African American ancestry in the NHLBI Exome Sequencing Project, indicating it is not a common benign variant in these populations. The D307A variant is a non-conservative amino acid substitution, which is likely to impact secondary protein structure as these residues differ in polarity, charge, size and/or other properties. However, this substitution occurs at a position that is not conserved across species and in silico analysis predicts this variant likely does not alter the protein structure/function. Therefore, based on the currently available information, it is unclear whether this variant is a pathogenic mutation or a rare benign variant.The variant is found in EPILEPSY panel(s).